The following is an entry in ClinVar:

ClinVar aggregate classification (germline): Likely benign. Review status: criteria provided, multiple submitters, no conflicts (2 of 4 stars). 2 submissions from 2 submitters: Likely benign (2). Last evaluated 2024-04-16.

Conditions:
Arrhythmogenic right ventricular dysplasia 8 (ARVD8). Also called: ARRHYTHMOGENIC RIGHT VENTRICULAR DYSPLASIA, FAMILIAL, 8; Arrhythmogenic Right Ventricular Dysplasia/Cardiomyopathy 8; ARRHYTHMOGENIC RIGHT VENTRICULAR CARDIOMYOPATHY 8. Identifiers: MedGen C1843896, MONDO:0011831, OMIM 607450.
Arrhythmogenic cardiomyopathy with wooly hair and keratoderma. Also called: PALMOPLANTAR KERATODERMA WITH LEFT VENTRICULAR CARDIOMYOPATHY AND WOOLLY HAIR; Arrhythmogenic cardiomyopathy with woolly hair and keratoderma; Carvajal syndrome; Dilated cardiomyopathy with woolly hair and keratoderma. Identifiers: Orphanet 65282, MedGen C1854063, MONDO:0011581, OMIM 605676.

Submissions (2):

Labcorp Genetics (formerly Invitae), Labcorp
Classification: Likely benign for Arrhythmogenic cardiomyopathy with wooly hair and keratoderma; Arrhythmogenic right ventricular dysplasia 8. Last evaluated: 2024-04-16. Review status: criteria provided, single submitter. Criteria: Invitae Variant Classification Sherloc (09022015). Collection method: clinical testing. Allele origin: germline.

All of Us Research Program, National Institutes of Health
Classification: Likely benign for Arrhythmogenic cardiomyopathy with wooly hair and keratoderma. Last evaluated: 2023-06-08. Review status: criteria provided, single submitter. Criteria: ACMG Guidelines, 2015. Collection method: clinical testing. Allele origin: germline. Inheritance: Autosomal dominant inheritance. Observed: 1 variant allele, 1 heterozygote.
Comment: This study involves interpretation of variants in research participants for the purpose of population health screening. Participant phenotype was not available at the time of variant classification. Additional details can be found in publication PMID: 35346344, PMCID: PMC8962531

NM_004415.4(DSP):c.1485G>T (p.Val495=)

Gene: DSP (desmoplakin; plus strand). Cytogenetic location: 6p24.3.
Variant type: single nucleotide variant.
Coding change: c.1485G>T on transcript NM_004415.4 (MANE Select); coding-DNA position 1485, G replaced by T.
Protein change: p.Val495=; no amino-acid change (valine 495 retained).
Molecular consequence: synonymous variant.
Genome position (GRCh38, 1-based): chr6:7,569,251, G>T. VCF-style: chr6-7569251-G-T. GRCh37 (hg19) VCF-style: chr6-7569484-G-T.
Other names: c.1485G>T, p.Val495= (NM_001008844.3, NM_001319034.2).
Identifiers: ClinVar variation 1651934 (VCV001651934.9), dbSNP rs2113675497, ClinGen allele CA448522935.